The following is an entry in ClinVar:

NM_001257975.2(CIZ1):c.74G>A (p.Arg25Gln)

Gene: CIZ1 (CDKN1A interacting zinc finger protein 1; minus strand). Cytogenetic location: 9q34.11.
Variant type: single nucleotide variant.
Coding change: c.74G>A on transcript NM_001257975.2; coding-DNA position 74, G replaced by A.
Protein change: p.Arg25Gln; replaces arginine 25 with glutamine.
Molecular consequence: missense variant. On other transcripts: intron variant (2).
Genome position (GRCh38, 1-based): chr9:128,191,866, C>T on the plus strand (G>A on the coding strand, the complement: CIZ1 is on the minus strand). VCF-style: chr9-128191866-C-T. GRCh37 (hg19) VCF-style: chr9-130954145-C-T.
Other names: c.-5-1004G>A (NM_001131015.2, NM_012127.3); short protein forms R25Q.
Identifiers: ClinVar variation 4885141 (VCV004885141.2).
Genomic context (GRCh38, chr9:128,191,866, plus strand): 5'-GCCATCCCGCGGGGCATCGAGGGGGACTTCCTTCCTGTTCCCAACCCACCTCCCTGCGGC[C>T]GCCGCGGTCCTGCGATCCTGGGGCCCCGCGCGGGGCTGCGGTGAGAGGGGGCGCGCAGTT-3'

ClinVar aggregate classification (germline): Uncertain significance (1 of 4 stars; one submission).

gnomAD v4.1: 5 of 1,465,938 alleles (0.00034%); highest among the groups gnomAD compares: African/African-American, 0.0058%; no homozygotes.

Submission:

Dasa
Classification: Uncertain significance. Last evaluated: 2025-12-04. Review status: criteria provided, single submitter. Criteria: DASA Assertion Criteria. Collection method: clinical testing. Allele origin: germline.
Comment: NM_001257975.2(CIZ1):c.74G>A (p.Arg25Gln) is a missense variant that results in the substitution of arginine with glutamine. This variant is rare in population databases. The currently available literature and clinical evidence are not sufficient to establish a definitive association between this variant and the reported condition. Therefore, this variant is classified as a variant of uncertain significance.